The following is an entry in ClinVar:

NM_003106.4(SOX2):c.55G>C (p.Gly19Arg)

Genes: SOX2-OT (SOX2 overlapping transcript; plus strand), SOX2 (SRY-box transcription factor 2; plus strand), LOC108281177 (SOX2 5' regulatory region; plus strand). Cytogenetic location: 3q26.33.
Variant type: single nucleotide variant.
Coding change: c.55G>C on transcript NM_003106.4 (MANE Select); coding-DNA position 55, G replaced by C.
Protein change: p.Gly19Arg; replaces glycine 19 with arginine.
Molecular consequence: missense variant.
Genome position (GRCh38, 1-based): chr3:181,712,415, G>C. VCF-style: chr3-181712415-G-C. GRCh37 (hg19) VCF-style: chr3-181430203-G-C.
Other names: short protein forms G19R.
Identifiers: ClinVar variation 4705859 (VCV004705859.1).

ClinVar aggregate classification (germline): Uncertain significance (1 of 4 stars; one submission).

Conditions:
Anophthalmia/microphthalmia-esophageal atresia syndrome (MCOPS3). Also called: SOX2 Disorder; MICROPHTHALMIA AND ESOPHAGEAL ATRESIA SYNDROME; AEG SYNDROME. Identifiers: Orphanet 77298, MedGen C1859773, MONDO:0008799, OMIM 206900.

Submission:

Labcorp Genetics (formerly Invitae), Labcorp
Classification: Uncertain significance for Anophthalmia/microphthalmia-esophageal atresia syndrome. Last evaluated: 2025-01-29. Review status: criteria provided, single submitter. Criteria: Invitae Variant Classification Sherloc (09022015). Collection method: clinical testing. Allele origin: germline.
Comment: This sequence change replaces glycine, which is neutral and non-polar, with arginine, which is basic and polar, at codon 19 of the SOX2 protein (p.Gly19Arg). This variant is present in population databases (no rsID available, gnomAD 0.007%). This variant has not been reported in the literature in individuals affected with SOX2-related conditions. Invitae Evidence Modeling of protein sequence and biophysical properties (such as structural, functional, and spatial information, amino acid conservation, physicochemical variation, residue mobility, and thermodynamic stability) has been performed for this missense variant. However, the output from this modeling did not meet the statistical confidence thresholds required to predict the impact of this variant on SOX2 protein function. In summary, the available evidence is currently insufficient to determine the role of this variant in disease. Therefore, it has been classified as a Variant of Uncertain Significance.